The following is an entry in ClinVar:

ClinVar aggregate classification (germline): Uncertain significance. Review status: criteria provided, multiple submitters, no conflicts (2 of 4 stars). 2 submissions from 2 submitters: Uncertain significance (2). Last evaluated 2026-09-02.

Conditions:
Inborn genetic diseases. Identifiers: MedGen C0950123, MeSH D030342.
Saldino-Mainzer syndrome (SRTD9). Also called: Renal dysplasia, retinal pigmentary dystrophy, cerebellar ataxia and skeletal dysplasia; short-rib thoracic dysplasia 9 with or without polydactyly; SHORT-RIB THORACIC DYSPLASIA 9 WITHOUT POLYDACTYLY; CONORENAL SYNDROME. Identifiers: Orphanet 140969, MedGen C1849437, MONDO:0009964, OMIM 266920.

Allele frequency attached by ClinVar (database versions not stated): TOPMed below 0.00001.
gnomAD v4.1: 5 of 1,613,508 alleles (0.00031%); highest among the groups gnomAD compares: Non-Finnish European, 0.00042%; no homozygotes.

Submissions (2):

Ambry Genetics
Classification: Uncertain significance for Inborn genetic diseases. Last evaluated: 2026-09-02. Review status: criteria provided, single submitter. Criteria: Ambry Variant Classification Scheme 2023. Collection method: clinical testing. Allele origin: germline.

Labcorp Genetics (formerly Invitae), Labcorp
Classification: Uncertain significance for Saldino-Mainzer syndrome. Last evaluated: 2022-03-01. Review status: criteria provided, single submitter. Criteria: Invitae Variant Classification Sherloc (09022015). Collection method: clinical testing. Allele origin: germline.
Comment: In summary, the available evidence is currently insufficient to determine the role of this variant in disease. Therefore, it has been classified as a Variant of Uncertain Significance. Algorithms developed to predict the effect of missense changes on protein structure and function are either unavailable or do not agree on the potential impact of this missense change (SIFT: "Deleterious"; PolyPhen-2: "Probably Damaging"; Align-GVGD: "Class C0"). ClinVar contains an entry for this variant (Variation ID: 1001923). This variant has not been reported in the literature in individuals affected with IFT140-related conditions. This variant is not present in population databases (gnomAD no frequency). This sequence change replaces alanine, which is neutral and non-polar, with valine, which is neutral and non-polar, at codon 1071 of the IFT140 protein (p.Ala1071Val).

NM_014714.4(IFT140):c.3212C>T (p.Ala1071Val)

Gene: IFT140 (intraflagellar transport 140; minus strand). Cytogenetic location: 16p13.3.
Variant type: single nucleotide variant.
Coding change: c.3212C>T on transcript NM_014714.4 (MANE Select); coding-DNA position 3212, C replaced by T.
Protein change: p.Ala1071Val; replaces alanine 1071 with valine.
Molecular consequence: missense variant.
Genome position (GRCh38, 1-based): chr16:1,523,886, G>A on the plus strand (C>T on the coding strand, the complement: IFT140 is on the minus strand). VCF-style: chr16-1523886-G-A. GRCh37 (hg19) VCF-style: chr16-1573887-G-A.
Other names: c.3212C>T (NM_014714.3); short protein forms A1071V.
Identifiers: ClinVar variation 1001923 (VCV001001923.8), dbSNP rs2040595876, ClinGen allele CA394225659.